The following is an entry in ClinVar:

ClinVar aggregate classification (germline): Benign/Likely benign. Review status: criteria provided, multiple submitters, no conflicts (2 of 4 stars). 2 submissions from 2 submitters: Benign (1); Likely benign (1). Last evaluated 2025-04-09.

gnomAD v4.1: 1,513 of 1,534,260 alleles (0.099%); highest among the groups gnomAD compares: African/African-American, 1.8%; 11 homozygotes.

Submissions (2):

Molecular Diagnostic Laboratory for Inherited Cardiovascular Disease, Montreal Heart Institute
Classification: Benign. Last evaluated: 2025-04-09. Review status: criteria provided, single submitter. Criteria: ACMG Guidelines, 2015. Collection method: clinical testing. Allele origin: germline. Affected: no.
Comment: BS1;BP7

Blueprint Genetics
Classification: Likely benign. Last evaluated: 2024-11-13. Review status: criteria provided, single submitter. Criteria: ACMG Guidelines, 2015. Collection method: clinical testing. Allele origin: germline.

NM_001281740.3(FHOD3):c.1620G>A (p.Lys540=)

Gene: FHOD3 (formin homology 2 domain containing 3; plus strand). Cytogenetic location: 18q12.2.
Variant type: single nucleotide variant.
Coding change: c.1620G>A on transcript NM_001281740.3 (MANE Select); coding-DNA position 1620, G replaced by A.
Protein change: p.Lys540=; no amino-acid change (lysine 540 retained).
Molecular consequence: synonymous variant. On other transcripts: intron variant (2).
Genome position (GRCh38, 1-based): chr18:36,652,903, G>A. VCF-style: chr18-36652903-G-A. GRCh37 (hg19) VCF-style: chr18-34232866-G-A.
Other names: c.1197-5172G>A (NM_025135.5, NM_001281739.3).
Identifiers: ClinVar variation 3895198 (VCV003895198.2), dbSNP rs74988124.